The following is an entry in ClinVar:

ClinVar aggregate classification (germline): Uncertain significance (1 of 4 stars; one submission).

Conditions:
ABCA13-related disorder. Also called: ABCA13-related condition.

gnomAD v4.1: 1 of 1,517,976 alleles (0.000066%); highest among the groups gnomAD compares: Non-Finnish European, 0.000088%; no homozygotes.

Submission:

PreventionGenetics, part of Exact Sciences
Classification: Uncertain significance for ABCA13-related condition. Last evaluated: 2025-06-20. Review status: criteria provided, single submitter. Criteria: ACMG Guidelines, 2015. Collection method: clinical testing. Allele origin: germline.
Comment: The ABCA13 c.8717C>T variant is predicted to result in the amino acid substitution p.Thr2906Ile. To our knowledge, this variant has not been reported in the literature or in a large population database (gnomAD), indicating this variant is rare. At this time, the clinical significance of this variant is uncertain due to the absence of conclusive functional and genetic evidence.

NM_152701.5(ABCA13):c.8717C>T (p.Thr2906Ile)

Gene: ABCA13 (ATP binding cassette subfamily A member 13; plus strand). Cytogenetic location: 7p12.3.
Variant type: single nucleotide variant.
Coding change: c.8717C>T on transcript NM_152701.5 (MANE Select); coding-DNA position 8717, C replaced by T.
Protein change: p.Thr2906Ile; replaces threonine 2906 with isoleucine.
Molecular consequence: missense variant.
Genome position (GRCh38, 1-based): chr7:48,279,911, C>T. VCF-style: chr7-48279911-C-T. GRCh37 (hg19) VCF-style: chr7-48319508-C-T.
Other names: short protein forms T2906I.
Identifiers: ClinVar variation 4977504 (VCV004977504.1).